The following is an entry in ClinVar:

ClinVar aggregate classification (germline): Uncertain significance (1 of 4 stars; one submission).

Allele frequency attached by ClinVar (database versions not stated): TOPMed below 0.00001.

Submission:

Labcorp Genetics (formerly Invitae), Labcorp
Classification: Uncertain significance. Last evaluated: 2024-10-22. Review status: criteria provided, single submitter. Criteria: Invitae Variant Classification Sherloc (09022015). Collection method: clinical testing. Allele origin: germline.
Comment: This sequence change replaces phenylalanine, which is neutral and non-polar, with tyrosine, which is neutral and polar, at codon 256 of the DTHD1 protein (p.Phe256Tyr). This variant is not present in population databases (gnomAD no frequency). This variant has not been reported in the literature in individuals affected with DTHD1-related conditions. An algorithm developed to predict the effect of missense changes on protein structure and function (PolyPhen-2) suggests that this variant is likely to be tolerated. In summary, the available evidence is currently insufficient to determine the role of this variant in disease. Therefore, it has been classified as a Variant of Uncertain Significance.

NM_001170700.3(DTHD1):c.1637T>A (p.Phe546Tyr)

Gene: DTHD1 (death domain containing 1; plus strand). Cytogenetic location: 4p14.
Variant type: single nucleotide variant.
Coding change: c.1637T>A on transcript NM_001170700.3 (MANE Select); coding-DNA position 1637, T replaced by A.
Protein change: p.Phe546Tyr; replaces phenylalanine 546 with tyrosine.
Molecular consequence: missense variant. On other transcripts: non-coding transcript variant (2).
Genome position (GRCh38, 1-based): chr4:36,295,033, T>A. VCF-style: chr4-36295033-T-A. GRCh37 (hg19) VCF-style: chr4-36296655-T-A.
Other names: c.767T>A, p.Phe256Tyr (NM_001136536.5); c.704T>A, p.Phe235Tyr (NM_001378435.1); short protein forms F546Y, F256Y, F235Y.
Identifiers: ClinVar variation 2783575 (VCV002783575.3), dbSNP rs1756318671, ClinGen allele CA356680242.
Genomic context (GRCh38, chr4:36,295,033, plus strand): 5'-CTGAGATAGATCATAAAAGAAGAGCAAGTGCCACAATAAATAGGATTACACCTTCGTATT[T>A]CAACCGGTGAGTAAGTTTCTAATATTGTAAACTGGCTTAATGTCAAACAAAGAAGCTTAG-3'
Protein context (NP_001164171.2, residues 536-556): ATINRITPSY[Phe546Tyr]NRTKIASIRK